The following is an entry in ClinVar:

NM_004770.3(KCNB2):c.911G>A (p.Arg304Gln)

Gene: KCNB2 (potassium voltage-gated channel subfamily B member 2; plus strand). Cytogenetic location: 8q21.11.
Variant type: single nucleotide variant.
Coding change: c.911G>A on transcript NM_004770.3 (MANE Select); coding-DNA position 911, G replaced by A.
Protein change: p.Arg304Gln; replaces arginine 304 with glutamine.
Molecular consequence: missense variant.
Genome position (GRCh38, 1-based): chr8:72,936,266, G>A. VCF-style: chr8-72936266-G-A. GRCh37 (hg19) VCF-style: chr8-73848501-G-A.
Other names: short protein forms R304Q.
Identifiers: ClinVar variation 4850836 (VCV004850836.1).
Genomic context (GRCh38, chr8:72,936,266, plus strand): 5'-CGGAGTCCAACAAGAGCGTGCTGCAGTTCCAAAACGTGAGGCGCGTGGTCCAGATCTTCC[G>A]AATCATGCGCATCCTCAGGATCCTGAAACTCGCCAGGCATTCGACAGGCCTGCAGTCTCT-3'
Protein context (NP_004761.2, residues 294-314): QNVRRVVQIF[Arg304Gln]IMRILRILKL

ClinVar aggregate classification (germline): Pathogenic (1 of 4 stars; one submission).

Conditions:
neurodevelopmental syndrome with epilepsy and autism.

gnomAD v4.1: 1 of 1,614,224 alleles (0.000062%); highest among the groups gnomAD compares: Non-Finnish European, 0.000085%; no homozygotes.

Submission:

Greenwood Genetic Center Diagnostic Laboratories, Greenwood Genetic Center
Classification: Pathogenic for neurodevelopmental syndrome with epilepsy and autism. Last evaluated: 2025-03-26. Review status: criteria provided, single submitter. Criteria: ACMG Guidelines, 2015. Collection method: clinical testing. Allele origin: germline. Affected: yes.
Comment: PS2, PS3, PM1, PM2